The following is an entry in ClinVar:

ClinVar aggregate classification (germline): Conflicting classifications of pathogenicity. Review status: criteria provided, conflicting classifications (1 of 4 stars). 3 submissions from 3 submitters: Uncertain significance (2); Likely benign (1). Last evaluated 2025-04-05.

Conditions:
Autosomal dominant neovascular inflammatory vitreoretinopathy. Also called: CAPN5-related vitreoretinopathy. Identifiers: Orphanet 329211, MedGen C4721549, MONDO:0100450.
High myopia. Also called: Severe Myopia. Identifiers: MedGen C0271183, HP:0011003.
Inborn genetic diseases. Identifiers: MedGen C0950123, MeSH D030342.

Allele frequency attached by ClinVar (database versions not stated): gnomAD 0.00004; TOPMed 0.00005; ExAC 0.00006; ESP Exome Variant Server 0.00008.
gnomAD v4.1: 56 of 1,613,868 alleles (0.0035%); highest among the groups gnomAD compares: South Asian, 0.0066%; no homozygotes.

Submissions (3):

Labcorp Genetics (formerly Invitae), Labcorp
Classification: Uncertain significance. Last evaluated: 2025-04-05. Review status: criteria provided, single submitter. Criteria: Invitae Variant Classification Sherloc (09022015). Collection method: clinical testing. Allele origin: germline.
Comment: This sequence change replaces threonine, which is neutral and polar, with methionine, which is neutral and non-polar, at codon 413 of the CAPN5 protein (p.Thr413Met). This variant is present in population databases (rs370528920, gnomAD 0.008%). This variant has not been reported in the literature in individuals affected with CAPN5-related conditions. ClinVar contains an entry for this variant (Variation ID: 1045063). Invitae Evidence Modeling of protein sequence and biophysical properties (such as structural, functional, and spatial information, amino acid conservation, physicochemical variation, residue mobility, and thermodynamic stability) indicates that this missense variant is not expected to disrupt CAPN5 protein function with a negative predictive value of 80%. In summary, the available evidence is currently insufficient to determine the role of this variant in disease. Therefore, it has been classified as a Variant of Uncertain Significance.

Ambry Genetics
Classification: Uncertain significance for Inborn genetic diseases. Last evaluated: 2024-11-20. Review status: criteria provided, single submitter. Criteria: Ambry Variant Classification Scheme 2023. Collection method: clinical testing. Allele origin: germline.

Blueprint Genetics
Classification: Likely benign. Last evaluated: 2024-09-11. Review status: criteria provided, single submitter. Criteria: ACMG Guidelines, 2015. Collection method: clinical testing. Allele origin: germline.

NM_004055.5(CAPN5):c.1238C>T (p.Thr413Met)

Gene: CAPN5 (calpain 5; plus strand). Cytogenetic location: 11q13.5.
Variant type: single nucleotide variant.
Coding change: c.1238C>T on transcript NM_004055.5 (MANE Select); coding-DNA position 1238, C replaced by T.
Protein change: p.Thr413Met; replaces threonine 413 with methionine.
Molecular consequence: missense variant.
Genome position (GRCh38, 1-based): chr11:77,119,100, C>T. VCF-style: chr11-77119100-C-T. GRCh37 (hg19) VCF-style: chr11-76830146-C-T.
Other names: c.1238C>T (NM_004055.4); short protein forms T413M.
Identifiers: ClinVar variation 1045063 (VCV001045063.9), dbSNP rs370528920, ClinGen allele CA6196733.